The following is an entry in ClinVar:

NM_000059.4(BRCA2):c.9045del (p.Lys3015fs)

Gene: BRCA2 (BRCA2 DNA repair associated; plus strand). Cytogenetic location: 13q13.1.
Variant type: Deletion.
Coding change: c.9045del on transcript NM_000059.4 (MANE Select); coding-DNA position 9045, one base deleted (A; older notation c.9045delA).
Protein change: p.Lys3015fs; shifts the reading frame from lysine 3015.
Molecular consequence: frameshift variant.
Genome position (GRCh38, 1-based): chr13:32,379,841, A deleted; the last of 4 consecutive A bases (chr13:32,379,838-32,379,841); deleting any one gives the same sequence. VCF-style (leftmost placement, unchanged base first): chr13-32379837-CA-C. GRCh37 (hg19) VCF-style: chr13-32953974-CA-C.
Other names: short protein forms K3015fs.
Identifiers: ClinVar variation 1329024 (VCV001329024.8), dbSNP rs2137622994, ClinGen allele CA2573053827.

ClinVar aggregate classification (germline): Pathogenic/Likely pathogenic. Review status: criteria provided, multiple submitters, no conflicts (2 of 4 stars). 4 submissions from 4 submitters: Pathogenic (3); Likely pathogenic (1). Last evaluated 2024-01-04.

Conditions:
Breast-ovarian cancer, familial, susceptibility to, 2 (BROVCA2). Also called: BRCA2 Hereditary Breast and Ovarian Cancer. Identifiers: Orphanet 145, MedGen C2675520, MONDO:0012933, OMIM 612555. Disease mechanism: loss of function.
Hereditary breast ovarian cancer syndrome. Also called: Breast and ovarian cancer; Hereditary breast and ovarian cancer; BRCA1- and BRCA2-Associated Hereditary Breast and Ovarian Cancer; Hereditary breast and ovarian cancer syndrome (HBOC); Hereditary breast and/or ovarian cancer syndrome; Hereditary breast and ovarian cancer syndrome. Identifiers: Orphanet 145, MedGen C0677776, MeSH D061325, MONDO:0003582. Disease mechanism: loss of function.
Hereditary cancer-predisposing syndrome. Also called: Hereditary Cancer Syndrome; Hereditary neoplastic syndrome; Neoplastic Syndromes, Hereditary; Tumor predisposition. Identifiers: Orphanet 140162, MedGen C0027672, MeSH D009386, MONDO:0015356.

Submissions (4):

Labcorp Genetics (formerly Invitae), Labcorp
Classification: Pathogenic for Hereditary breast ovarian cancer syndrome. Last evaluated: 2024-01-04. Review status: criteria provided, single submitter. Criteria: Invitae Variant Classification Sherloc (09022015). Collection method: clinical testing. Allele origin: germline.
Comment: This sequence change creates a premature translational stop signal (p.Lys3015Asnfs*13) in the BRCA2 gene. It is expected to result in an absent or disrupted protein product. Loss-of-function variants in BRCA2 are known to be pathogenic (PMID: 20104584). This variant is not present in population databases (gnomAD no frequency). This variant has not been reported in the literature in individuals affected with BRCA2-related conditions. ClinVar contains an entry for this variant (Variation ID: 1329024). For these reasons, this variant has been classified as Pathogenic.

Myriad Genetics, Inc.
Classification: Pathogenic for Breast-ovarian cancer, familial, susceptibility to, 2. Last evaluated: 2023-12-13. Review status: criteria provided, single submitter. Criteria: Myriad Autosomal Dominant, Autosomal Recessive and X-Linked Classification Criteria (2023). Collection method: clinical testing. Allele origin: unknown.
Comment: This variant is considered pathogenic. This variant creates a frameshift predicted to result in premature protein truncation.

Ambry Genetics
Classification: Pathogenic for Hereditary cancer-predisposing syndrome. Last evaluated: 2022-05-24. Review status: criteria provided, single submitter. Criteria: Ambry Variant Classification Scheme 2023. Collection method: clinical testing. Allele origin: germline.
Comment: The c.9045delA pathogenic mutation, located in coding exon 22 of the BRCA2 gene, results from a deletion of one nucleotide at nucleotide position 9045, causing a translational frameshift with a predicted alternate stop codon (p.K3015Nfs*13). This variant is considered to be rare based on population cohorts in the Genome Aggregation Database (gnomAD). This alteration is expected to result in loss of function by premature protein truncation or nonsense-mediated mRNA decay. As such, this alteration is interpreted as a disease-causing mutation.

Women's Health and Genetics/Laboratory Corporation of America, LabCorp
Classification: Likely pathogenic for Hereditary breast ovarian cancer syndrome. Last evaluated: 2021-11-05. Review status: criteria provided, single submitter. Criteria: LabCorp Variant Classification Summary - May 2015. Collection method: clinical testing. Allele origin: germline.
Comment: Variant summary: BRCA2 c.9045delA (p.Lys3015AsnfsX13) results in a premature termination codon, predicted to cause a truncation of the encoded protein or absence of the protein due to nonsense mediated decay, which are commonly known mechanisms for disease. Truncations downstream of this position have been classified as pathogenic by our laboratory. The variant was absent in 250458 control chromosomes (gnomAD). To our knowledge, no occurrence of c.9045delA has been documented in individuals affected with Hereditary Breast And Ovarian Cancer Syndrome and no experimental evidence demonstrating its impact on protein function have been reported. No clinical diagnostic laboratories have submitted clinical-significance assessments for this variant to ClinVar after 2014. Based on the evidence outlined above, the variant was classified as likely pathogenic.

Literature cited by the submitters: PubMed 20104584 (cited by Labcorp Genetics (formerly Invitae), Labcorp).